The following is an entry in ClinVar:

ClinVar aggregate classification (germline): Uncertain significance (1 of 4 stars; one submission).

Allele frequency attached by ClinVar (database versions not stated): ExAC 0.00006; ESP Exome Variant Server 0.00016.
gnomAD v4.1: 47 of 1,610,262 alleles (0.0029%); highest among the groups gnomAD compares: African/African-American, 0.039%; no homozygotes.

Submission:

Labcorp Genetics (formerly Invitae), Labcorp
Classification: Uncertain significance. Last evaluated: 2023-10-11. Review status: criteria provided, single submitter. Criteria: Invitae Variant Classification Sherloc (09022015). Collection method: clinical testing. Allele origin: germline.
Comment: This sequence change replaces threonine, which is neutral and polar, with methionine, which is neutral and non-polar, at codon 286 of the TBXA2R protein (p.Thr286Met). This variant is present in population databases (rs61731124, gnomAD 0.03%). This variant has not been reported in the literature in individuals affected with TBXA2R-related conditions. Advanced modeling of protein sequence and biophysical properties (such as structural, functional, and spatial information, amino acid conservation, physicochemical variation, residue mobility, and thermodynamic stability) performed at Invitae indicates that this missense variant is not expected to disrupt TBXA2R protein function. In summary, the available evidence is currently insufficient to determine the role of this variant in disease. Therefore, it has been classified as a Variant of Uncertain Significance.

NM_001060.6(TBXA2R):c.857C>T (p.Thr286Met)

Gene: TBXA2R (thromboxane A2 receptor; minus strand). Cytogenetic location: 19p13.3.
Variant type: single nucleotide variant.
Coding change: c.857C>T on transcript NM_001060.6 (MANE Select); coding-DNA position 857, C replaced by T.
Protein change: p.Thr286Met; replaces threonine 286 with methionine.
Molecular consequence: missense variant.
Genome position (GRCh38, 1-based): chr19:3,595,863, G>A on the plus strand (C>T on the coding strand, the complement: TBXA2R is on the minus strand). VCF-style: chr19-3595863-G-A. GRCh37 (hg19) VCF-style: chr19-3595861-G-A.
Other names: c.857C>T, p.Thr286Met (NM_201636.3); short protein forms T286M.
Identifiers: ClinVar variation 2981527 (VCV002981527.3), dbSNP rs61731124, ClinGen allele CA9080753.